The following is an entry in ClinVar:

ClinVar aggregate classification (germline): Likely benign. Review status: criteria provided, multiple submitters, no conflicts (2 of 4 stars). 13 submissions from 13 submitters: Likely benign (11). 2 of the submissions do not count toward it. Last evaluated 2026-08-01.

Conditions:
Ehlers-Danlos syndrome (EDS). Identifiers: Orphanet 98249, MedGen C0013720, MONDO:0020066.
Ehlers-Danlos syndrome, type 4 (EDSVASC). Also called: Ehlers-Danlos Syndrome Type IV; Ehlers-Danlos syndrome vascular type; Ehlers Danlos syndrome, ecchymotic type; Ehlers Danlos syndrome, arterial type; Ehlers Danlos syndrome, Sack-Barabas type. Identifiers: Orphanet 286, MedGen C0268338, MONDO:0017314, OMIM 130050.
Familial thoracic aortic aneurysm and aortic dissection (TAAD). Also called: Thoracic aortic aneurysms and dissections. Identifiers: Orphanet 91387, MedGen C4707243, MONDO:0019625.

Allele frequency attached by ClinVar (database versions not stated): ExAC 0.00007; TOPMed 0.00007; gnomAD exomes 0.00010; gnomAD 0.00012; ESP Exome Variant Server 0.00015.
gnomAD v4.1: 158 of 1,613,486 alleles (0.0098%); highest among the groups gnomAD compares: Non-Finnish European, 0.013%; no homozygotes.

Submissions (13):

CeGaT Center for Human Genetics Tuebingen
Classification: Likely benign. Last evaluated: 2026-08-01. Review status: criteria provided, single submitter. Criteria: CeGaT Center For Human Genetics Tuebingen Variant Classification Criteria Version 2. Collection method: clinical testing. Allele origin: germline. Affected: yes. Observed: 5 variant alleles.
Comment: COL3A1: BP4, BP7

Molecular Diagnostic Laboratory for Inherited Cardiovascular Disease, Montreal Heart Institute
Classification: Likely benign. Last evaluated: 2026-03-27. Review status: criteria provided, single submitter. Criteria: ACMG Guidelines, 2015. Collection method: clinical testing. Allele origin: germline. Affected: no.
Comment: BS1;BP7

Labcorp Genetics (formerly Invitae), Labcorp
Classification: Likely benign for Ehlers-Danlos syndrome, type 4. Last evaluated: 2025-11-24. Review status: criteria provided, single submitter. Criteria: Invitae Variant Classification Sherloc (09022015). Collection method: clinical testing. Allele origin: germline.

Mayo Clinic Laboratories, Mayo Clinic
Classification: Likely benign. Last evaluated: 2025-05-10. Review status: criteria provided, single submitter. Criteria: ACMG Guidelines, 2015. Collection method: clinical testing. Allele origin: germline. Observed: 2 variant alleles.
Comment: BP4, BP7

Women's Health and Genetics/Laboratory Corporation of America, LabCorp
Classification: Likely benign. Last evaluated: 2024-12-06. Review status: criteria provided, single submitter. Criteria: LabCorp Variant Classification Summary - May 2015. Collection method: clinical testing. Allele origin: germline.

All of Us Research Program, National Institutes of Health
Classification: Likely benign for Ehlers-Danlos syndrome, type 4. Last evaluated: 2023-12-13. Review status: criteria provided, single submitter. Criteria: ACMG Guidelines, 2015. Collection method: clinical testing. Allele origin: germline. Inheritance: Autosomal dominant inheritance. Observed: 24 variant alleles, 24 heterozygotes.
Comment: This study involves interpretation of variants in research participants for the purpose of population health screening. Participant phenotype was not available at the time of variant classification. Additional details can be found in publication PMID: 35346344, PMCID: PMC8962531

Blueprint Genetics
Classification: Likely benign. Last evaluated: 2023-05-04. Review status: criteria provided, single submitter. Criteria: ACMG Guidelines, 2015. Collection method: clinical testing. Allele origin: germline.

Genome Diagnostics Laboratory, The Hospital for Sick Children
Classification: Likely benign for Ehlers-Danlos syndrome. Last evaluated: 2021-04-07. Review status: criteria provided, single submitter. Criteria: ACMG Guidelines, 2015. Collection method: clinical testing. Allele origin: germline.

Color Diagnostics, LLC DBA Color Health
Classification: Likely benign for Familial thoracic aortic aneurysm and aortic dissection. Last evaluated: 2019-07-26. Review status: criteria provided, single submitter. Criteria: ACMG Guidelines, 2015. Collection method: clinical testing. Allele origin: germline.

GeneDx
Classification: Likely benign. Last evaluated: 2018-05-03. Review status: criteria provided, single submitter. Criteria: GeneDx Variant Classification Process June 2021. Collection method: clinical testing. Allele origin: germline. Affected: yes.

Ambry Genetics
Classification: Likely benign for Familial thoracic aortic aneurysm and aortic dissection. Last evaluated: 2016-03-16. Review status: criteria provided, single submitter. Criteria: Ambry Variant Classification Scheme 2023. Collection method: clinical testing. Allele origin: germline.

Clinical Genetics DNA and cytogenetics Diagnostics Lab, Erasmus MC, Erasmus Medical Center
Classification: Likely benign. Review status: no assertion criteria provided. Collection method: clinical testing. Allele origin: germline. Affected: yes. Study: VKGL Data-share Consensus. Not counted in ClinVar's aggregate classification.

Genome Diagnostics Laboratory, Amsterdam University Medical Center
Classification: Likely benign. Review status: no assertion criteria provided. Collection method: clinical testing. Allele origin: germline. Affected: yes. Study: VKGL Data-share Consensus. Not counted in ClinVar's aggregate classification.

NM_000090.4(COL3A1):c.1854A>T (p.Gly618=)

Gene: COL3A1 (collagen type III alpha 1 chain; plus strand). Cytogenetic location: 2q32.2.
Variant type: single nucleotide variant.
Coding change: c.1854A>T on transcript NM_000090.4 (MANE Select); coding-DNA position 1854, A replaced by T.
Protein change: p.Gly618=; no amino-acid change (glycine 618 retained).
Molecular consequence: synonymous variant.
Genome position (GRCh38, 1-based): chr2:188,997,374, A>T. VCF-style: chr2-188997374-A-T. GRCh37 (hg19) VCF-style: chr2-189862100-A-T.
Other names: p.Gly618=.
Identifiers: ClinVar variation 377717 (VCV000377717.60), dbSNP rs370034518, ClinGen allele CA074725.
Genomic context (GRCh38, chr2:188,997,374, plus strand): 5'-CCCTAACTGTTCTTGTTTTTAGGGTCCTCCTGGAAAGAATGGTGAAACTGGACCTCAGGG[A>T]CCCCCAGGGCCTACTGTAAGTTCACTCATATAAAATTGGAGATGAAAATAGGGTGGAGGT-3'
Protein context (NP_000081.2, residues 608-628): PGKNGETGPQ[Gly618=]PPGPTGPGGD